The following is an entry in ClinVar:

NM_000179.3(MSH6):c.2903T>C (p.Val968Ala)

Gene: MSH6 (mutS homolog 6; plus strand). Cytogenetic location: 2p16.3.
Variant type: single nucleotide variant.
Coding change: c.2903T>C on transcript NM_000179.3 (MANE Select); coding-DNA position 2903, T replaced by C.
Protein change: p.Val968Ala; replaces valine 968 with alanine.
Molecular consequence: missense variant. On other transcripts: non-coding transcript variant (5), intron variant (2).
Genome position (GRCh38, 1-based): chr2:47,800,886, T>C. VCF-style: chr2-47800886-T-C. GRCh37 (hg19) VCF-style: chr2-48028025-T-C.
Other names: c.2378T>C, p.Val793Ala (NM_001406807.1, NM_001406799.1, NM_001406806.1); c.2903T>C, p.Val968Ala (NM_001406808.1, NM_001406809.1, NM_001406796.1 and 2 more transcripts); c.1997T>C, p.Val666Ala (NM_001406811.1, NM_001406812.1, NM_001406814.1 and 6 more transcripts); c.2909T>C, p.Val970Ala (NM_001406813.1); c.2606T>C, p.Val869Ala (NM_001406818.1, NM_001406797.1, NM_001406801.1 and 10 more transcripts); c.2513T>C, p.Val838Ala (NM_001281492.2); c.2999T>C, p.Val1000Ala (NM_001406795.1, NM_001406802.1); c.2825T>C, p.Val942Ala (NM_001406804.1); and 4 more; short protein forms V970A, V793A, V869A, V968A, V666A, V838A, V1000A, V283A.
Identifiers: ClinVar variation 5024918 (VCV005024918.1).
Genomic context (GRCh38, chr2:47,800,886, plus strand): 5'-AACAGAGCCTCCTGGAATACCTAGAGAAACAGCGCAACAGAATTGGCTGTAGGACCATAG[T>C]CTATTGGGGGATTGGTAGGAACCGTTACCAGCTGGAAATTCCTGAGAATTTCACCACTCG-3'
Protein context (NP_000170.1, residues 958-978): QRNRIGCRTI[Val968Ala]YWGIGRNRYQ

ClinVar aggregate classification (germline): Uncertain significance (1 of 4 stars; one submission).

Conditions:
Hereditary cancer-predisposing syndrome. Also called: Neoplastic Syndromes, Hereditary; Tumor predisposition; Hereditary neoplastic syndrome; Hereditary Cancer Syndrome. Identifiers: Orphanet 140162, MedGen C0027672, MeSH D009386, MONDO:0015356.

Submission:

Ambry Genetics
Classification: Uncertain significance for Hereditary cancer-predisposing syndrome. Last evaluated: 2026-07-27. Review status: criteria provided, single submitter. Criteria: Ambry Variant Classification Scheme 2023. Collection method: clinical testing. Allele origin: germline.
Comment: The p.V968A variant (also known as c.2903T>C), located in coding exon 4 of the MSH6 gene, results from a T to C substitution at nucleotide position 2903. The valine at codon 968 is replaced by alanine, an amino acid with similar properties. This amino acid position is conserved. In addition, this alteration is predicted to be tolerated by in silico analysis. Based on the available evidence, the clinical significance of this variant remains unclear.